The following is an entry in ClinVar:

ClinVar aggregate classification (germline): Likely pathogenic (1 of 4 stars; one submission).

Conditions:
Hyperinsulinemic hypoglycemia, familial, 1 (HHF1). Also called: HYPERINSULINISM, FAMILIAL, WITH PANCREATIC NESIDIOBLASTOSIS; HYPOGLYCEMIA, HYPERINSULINEMIC, OF INFANCY; NESIDIOBLASTOSIS OF PANCREAS; Persistent hyperinsulinemic hypoglycemia of infancy; Persistent Hyperinsulinemia Hypoglycemia of Infancy. Identifiers: Orphanet 276575, Orphanet 276598, MedGen C2931832, MONDO:0009734, OMIM 256450.

Submission:

Myriad Genetics, Inc.
Classification: Likely pathogenic for Hyperinsulinemic hypoglycemia, familial, 1. Last evaluated: 2021-11-30. Review status: criteria provided, single submitter. Criteria: Myriad Women's Health Autosomal Recessive and X-Linked Classification Criteria (2021). Collection method: clinical testing. Allele origin: unknown.
Comment: NM_000352.3(ABCC8):c.2070delA(D691Mfs*18) is expected to be pathogenic in the context of familial hyperinsulinism, ABCC8-related. This variant is predicted to lead to an abnormal or absent protein product due to the creation of a premature termination codon in ABCC8, a gene where loss-of-function variants are known to be pathogenic. Please note: this variant was assessed in the context of healthy population screening.

NM_000352.6(ABCC8):c.2070del (p.Asp691fs)

Gene: ABCC8 (ATP binding cassette subfamily C member 8; minus strand). Cytogenetic location: 11p15.1.
Variant type: Deletion.
Coding change: c.2070del on transcript NM_000352.6 (MANE Select); coding-DNA position 2070, one base deleted (A; older notation c.2070delA).
Protein change: p.Asp691fs; shifts the reading frame from aspartic acid 691.
Molecular consequence: frameshift variant. On other transcripts: non-coding transcript variant (1).
Genome position (GRCh38, 1-based): chr11:17,427,913, T deleted on the plus strand (A on the coding strand, the reverse complement: ABCC8 is on the minus strand). VCF-style (leftmost placement, unchanged base first): chr11-17427912-CT-C. GRCh37 (hg19) VCF-style: chr11-17449459-CT-C.
Other names: c.2070del, p.Asp691fs (NM_001287174.3); c.2136del, p.Asp713fs (NM_001351295.2); c.2067del, p.Asp690fs (NM_001351296.2, NM_001351297.2); short protein forms D690fs, D691fs, D713fs.
Identifiers: ClinVar variation 1725084 (VCV001725084.2), dbSNP rs2496663531, ClinGen allele CA2580082765.